The following is an entry in ClinVar:

NM_001386393.1(PANK2):c.1231G>A (p.Gly411Arg)

Gene: PANK2 (pantothenate kinase 2; plus strand). Cytogenetic location: 20p13.
Variant type: single nucleotide variant.
Coding change: c.1231G>A on transcript NM_001386393.1 (MANE Select); coding-DNA position 1231, G replaced by A.
Protein change: p.Gly411Arg; replaces glycine 411 with arginine.
Molecular consequence: missense variant. On other transcripts: non-coding transcript variant (1).
Genome position (GRCh38, 1-based): chr20:3,918,695, G>A. VCF-style: chr20-3918695-G-A. GRCh37 (hg19) VCF-style: chr20-3899342-G-A.
Other names: G411R; NM_024960.4(PANK2):c.688G>A(p.Gly230Arg); NM_153638.2(PANK2):c.1561G>A(p.Gly521Arg); NM_153640.2(PANK2):c.688G>A(p.Gly230Arg); 1231G>A; Gly411Arg; c.688G>A, p.Gly230Arg (NM_001324191.2, NM_024960.6, NM_153640.4); c.253G>A, p.Gly85Arg (NM_001324193.2); and 1 more; short protein forms G230R, G521R, G85R.
Identifiers: ClinVar variation 4548 (VCV000004548.48), dbSNP rs137852959, ClinGen allele CA116915.

ClinVar aggregate classification (germline): Pathogenic/Likely pathogenic. Review status: criteria provided, multiple submitters, no conflicts (2 of 4 stars). 25 submissions from 23 submitters: Pathogenic (18); Likely pathogenic (1). 6 of the submissions do not count toward it. Last evaluated 2026-02-01.

Conditions:
PANK2-related disorder. Also called: PANK2-related condition.
Inborn genetic diseases. Identifiers: MedGen C0950123, MeSH D030342.
Hypoprebetalipoproteinemia, acanthocytosis, retinitis pigmentosa, and pallidal degeneration. Identifiers: MedGen C1846582, MONDO:0011798.
Pigmentary pallidal degeneration (NBIA1). Also called: PKAN NEUROAXONAL DYSTROPHY, JUVENILE-ONSET; Pantothenate Kinase-Associated Neurodegeneration; Neurodegeneration with brain iron accumulation 1; Neuroaxonal dystrophy, late infantile; Hallervorden-Spatz disease; HARP SYNDROME. Identifiers: Orphanet 157850, MedGen C0018523, MONDO:0009319, OMIM 234200.
Retinitis pigmentosa (RP). Identifiers: Orphanet 791, MedGen C0035334, MeSH D012174, MONDO:0019200, OMIM 268000. Inheritance: Autosomal dominant, autosomal recessive and X linked inheritance.
Rubinstein-Taybi syndrome due to EP300 haploinsufficiency. Also called: RUBINSTEIN-TAYBI SYNDROME 2; EP300-Related Rubinstein-Taybi Syndrome. Identifiers: Orphanet 353284, Orphanet 783, MedGen C3150941, MONDO:0013364, OMIM 613684.

Allele frequency attached by ClinVar (database versions not stated): gnomAD exomes 0.00009 and 0.00025; ExAC 0.00010; TOPMed 0.00018; gnomAD 0.00022 and 0.00024.

Submissions 1 to 12 of 25:

Labcorp Genetics (formerly Invitae), Labcorp
Classification: Pathogenic for Pigmentary pallidal degeneration. Last evaluated: 2026-02-01. Review status: criteria provided, single submitter. Criteria: Invitae Variant Classification Sherloc (09022015). Collection method: clinical testing. Allele origin: germline.
Comment: This sequence change replaces glycine, which is neutral and non-polar, with arginine, which is basic and polar, at codon 521 of the PANK2 protein (p.Gly521Arg). This variant is present in population databases (rs137852959, gnomAD 0.02%). This missense change has been observed in individuals with atypical and typical pantothenate kinase-associated neurodegeneration (PMID: 11479594, 16450344, 22221393, 26795593). It has also been observed to segregate with disease in related individuals. ClinVar contains an entry for this variant (Variation ID: 4548). Invitae Evidence Modeling of protein sequence and biophysical properties (such as structural, functional, and spatial information, amino acid conservation, physicochemical variation, residue mobility, and thermodynamic stability) indicates that this missense variant is expected to disrupt PANK2 protein function with a positive predictive value of 95%. Experimental studies have shown that this missense change affects PANK2 function (PMID: 15659606, 16272150). Algorithms developed to predict the effect of sequence changes on RNA splicing suggest that this variant may disrupt the consensus splice site. For these reasons, this variant has been classified as Pathogenic.

Mayo Clinic Laboratories, Mayo Clinic
Classification: Pathogenic. Last evaluated: 2025-10-10. Review status: criteria provided, single submitter. Criteria: ACMG Guidelines, 2015. Collection method: clinical testing. Allele origin: germline. Observed: 4 variant alleles.
Comment: PP3_strong, PM2_supporting, PM3_strong, PS3

Institute of Human Genetics Munich, TUM University Hospital
Classification: Pathogenic for Pigmentary pallidal degeneration. Last evaluated: 2025-07-01. Review status: criteria provided, single submitter. Criteria: Classification criteria August 2017. Collection method: clinical testing. Allele origin: inherited, paternal. Inheritance: Autosomal recessive inheritance. Affected: yes. Observed: 2 variant alleles.

PreventionGenetics, part of Exact Sciences
Classification: Pathogenic for PANK2-related condition. Last evaluated: 2025-04-14. Review status: criteria provided, single submitter. Criteria: ACMG Guidelines, 2015. Collection method: clinical testing. Allele origin: germline.
Comment: The PANK2 c.1561G>A variant is predicted to result in the amino acid substitution p.Gly521Arg. This variant has been reported in multiple individuals with Pantothenate kinase-associated neurodegeneration (for example: Table 1. Zhou et al. 2001. PubMed ID: 11479594, reported as p.Gly411Arg; Leoni et al. 2011. PubMed ID: 22221393). A functional study showed that this variant resulted in a protein that was devoid of activity and did not fold properly (Zhang et al. 2005. PubMed ID: 16272150). This variant is reported in 0.022% of alleles in individuals of European (Non-Finnish) descent in gnomAD. This variant is interpreted as pathogenic.

Variantyx, Inc.
Classification: Pathogenic for Pigmentary pallidal degeneration. Last evaluated: 2025-03-20. Review status: criteria provided, single submitter. Criteria: Variantyx Assertion Criteria 2022. Collection method: clinical testing. Allele origin: germline.
Comment: This is a nonsynonymous variant in the PANK2 gene (OMIM: 606157). Pathogenic variants in this gene have been associated with autosomal recessive neurodegeneration with brain iron accumulation 1. This variant has been identified in the homozygous or compound heterozygous state in many individual(s) from the published literature (PMID: 16437574, 33098801, 32654475, 28708303, 28252636, 26795593, 16450344, 11479594) (PM3_Very_Strong). Functional studies have shown that this variant alters PANK2 protein function (PMID: 15659606, 16272150) (PS3). Multiple computational algorithms predict a deleterious effect for this variant (REVEL score: 0.978) (PP3_Moderate). This variant has a 0.0316% maximum allele frequency in non-founder control populations (PM2_Supporting). Based on the current evidence, this variant is classified as pathogenic for autosomal recessive neurodegeneration with brain iron accumulation 1.

Blueprint Genetics
Classification: Pathogenic for PANK2-related disorders. Last evaluated: 2024-10-10. Review status: criteria provided, single submitter. Criteria: ACMG Guidelines, 2015. Collection method: clinical testing. Allele origin: germline. Affected: yes. Observed: 5 variant alleles.

Genomic Medicine Center of Excellence, King Faisal Specialist Hospital and Research Centre
Classification: Pathogenic for Pigmentary pallidal degeneration. Last evaluated: 2024-09-22. Review status: criteria provided, single submitter. Criteria: ACMG Guidelines, 2015. Collection method: clinical testing. Allele origin: germline.

Ambry Genetics
Classification: Pathogenic for Inborn genetic diseases. Last evaluated: 2024-07-05. Review status: criteria provided, single submitter. Criteria: Ambry Variant Classification Scheme 2023. Collection method: clinical testing. Allele origin: germline.
Comment: The c.1561G>A (p.G521R) alteration is located in coding exon 6 of the PANK2 gene. This alteration results from a G to A substitution at nucleotide position 1561, causing the glycine (G) at amino acid position 521 to be replaced by an arginine (R). Based on data from gnomAD, the A allele has an overall frequency of 0.01% (36/282886) total alleles studied, with a frequency of 0.02% (28/129190) in the European (non-Finnish) subpopulation. This alteration has been reported previously in the homozygous and compound heterozygous state in multiple individuals with clinical features consistent with pantothenate kinase-associated neurodegeneration (Zhou, 2001; Leoni, 2012; Wu, 2013; Ch&eacute;rot, 2018; Santambrogio, 2020). This amino acid position is highly conserved in available vertebrate species. Functional analyses in HEK293 cells demonstrated that the p.G521R alteration causes marked instability of the intermediate PANK2, and reduced production of the mature protein. In vitro enzymatic activity assay of mutant and wild type proteins revealed that p.G521R results in more than 90% reduction in enzyme activity compared to wild-type (Kotzbauer, 2005). This alteration is predicted to be deleterious by in silico analysis. Based on the available evidence, this alteration is classified as pathogenic.

Fulgent Genetics
Classification: Pathogenic for Pigmentary pallidal degeneration. Last evaluated: 2024-01-03. Review status: criteria provided, single submitter. Criteria: ACMG Guidelines, 2015. Collection method: clinical testing. Allele origin: germline.

Women's Health and Genetics/Laboratory Corporation of America, LabCorp
Classification: Pathogenic for Pigmentary pallidal degeneration. Last evaluated: 2023-12-07. Review status: criteria provided, single submitter. Criteria: LabCorp Variant Classification Summary - May 2015. Collection method: clinical testing. Allele origin: germline.
Comment: Variant summary: PANK2 c.1561G>A (p.Gly521Arg) results in a non-conservative amino acid change in the encoded protein sequence. Five of five in-silico tools predict a damaging effect of the variant on protein function. The variant allele was found at a frequency of 8.7e-05 in 251484 control chromosomes (gnomAD). This frequency is not significantly higher than estimated for a pathogenic variant in PANK2 causing Pantothenate Kinase-Associated Neurodegeneration (8.7e-05 vs 0.0011), allowing no conclusion about variant significance. c.1561G>A has been reported in the literature in multiple bi-allelic individuals affected with Pantothenate Kinase-Associated Neurodegeneration/Hallervorden-Spatz syndrome (example: Zhou_2001). These data indicate that the variant is very likely to be associated with disease. The following publication has been ascertained in the context of this evaluation (PMID: 11479594). Eleven submitters have cited clinical-significance assessments for this variant to ClinVar after 2014. All submitters classified the variant as pathogenic. Based on the evidence outlined above, the variant was classified as pathogenic.

GeneDx
Classification: Pathogenic. Last evaluated: 2022-06-17. Review status: criteria provided, single submitter. Criteria: GeneDx Variant Classification Process June 2021. Collection method: clinical testing. Allele origin: germline. Affected: yes.
Comment: Functional studies show G521R leads to loss of protein catalytic activity (Zhang et al., 2006); This variant is associated with the following publications: (PMID: 25131622, 22221393, 11479594, 24215330, 22416811, 26828213, 26795593, 23968566, 29590070, 28708303, 16450344, 31628766, 30363918, 32654475, 33144682, 33098801, 31589614, 28252636, 16272150)

Fulgent Genetics
Classification: Pathogenic for Pigmentary pallidal degeneration. Last evaluated: 2022-05-20. Review status: criteria provided, single submitter. Criteria: ACMG Guidelines, 2015. Collection method: clinical testing. Allele origin: unknown.